The following is an entry in ClinVar:

NM_173494.2(DNAAF6):c.153+1G>A

Gene: DNAAF6 (dynein axonemal assembly factor 6; plus strand). Cytogenetic location: Xq22.3.
Variant type: single nucleotide variant.
Coding change: c.153+1G>A on transcript NM_173494.2 (MANE Select); the canonical splice donor site of the intron after coding-DNA position 153, G replaced by A.
Molecular consequence: splice donor variant.
Genome position (GRCh38, 1-based): chrX:107,213,029, G>A. VCF-style: chrX-107213029-G-A. GRCh37 (hg19) VCF-style: chrX-106456259-G-A.
Other names: c.153+1G>A (NM_001169154.2).
Identifiers: ClinVar variation 4699126 (VCV004699126.1).
Genomic context (GRCh38, chrX:107,213,029, plus strand): 5'-CTGGAAGCCCTCTCTAAGCTACTTAATCCTGAAGAAGAGGATGATTCTGACTATGGACAG[G>A]TGGTCATATACTTAACAGTTGAATTAGTTTTGTTCATGGGAAGTTGTGGAACTGTATTTG-3'

ClinVar aggregate classification (germline): Likely pathogenic (1 of 4 stars; one submission).

gnomAD v4.1: 3 of 1,186,583 alleles (0.00025%); highest among the groups gnomAD compares: East Asian, 0.006%; no homozygotes.

Submission:

Labcorp Genetics (formerly Invitae), Labcorp
Classification: Likely pathogenic. Last evaluated: 2025-07-19. Review status: criteria provided, single submitter. Criteria: Invitae Variant Classification Sherloc (09022015). Collection method: clinical testing. Allele origin: germline.
Comment: This sequence change affects a donor splice site in intron 3 of the PIH1D3 gene. It is expected to disrupt RNA splicing. Variants that disrupt the donor or acceptor splice site typically lead to a loss of protein function (PMID: 16199547), and loss-of-function variants in PIH1D3 are known to be pathogenic (PMID: 28041644, 28176794). This variant is not present in population databases (gnomAD no frequency). This variant has not been reported in the literature in individuals affected with PIH1D3-related conditions. Algorithms developed to predict the effect of sequence changes on RNA splicing suggest that this variant may disrupt the consensus splice site. In summary, the currently available evidence indicates that the variant is pathogenic, but additional data are needed to prove that conclusively. Therefore, this variant has been classified as Likely Pathogenic.

Literature cited by the submitters: PubMed 16199547; PubMed 28041644; PubMed 28176794.